The following is an entry in ClinVar:

NM_177438.3(DICER1):c.652G>A (p.Glu218Lys)

Gene: DICER1 (dicer 1, ribonuclease III; minus strand). Cytogenetic location: 14q32.13.
Variant type: single nucleotide variant.
Coding change: c.652G>A on transcript NM_177438.3 (MANE Select); coding-DNA position 652, G replaced by A.
Protein change: p.Glu218Lys; replaces glutamic acid 218 with lysine.
Molecular consequence: missense variant.
Genome position (GRCh38, 1-based): chr14:95,129,554, C>T on the plus strand (G>A on the coding strand, the complement: DICER1 is on the minus strand). VCF-style: chr14-95129554-C-T. GRCh37 (hg19) VCF-style: chr14-95595891-C-T.
Other names: c.652G>A, p.Glu218Lys (NM_001195573.1, NM_001271282.3, NM_001291628.2 and 1 more transcripts); short protein forms E218K.
Identifiers: ClinVar variation 412177 (VCV000412177.15), dbSNP rs747514493, ClinGen allele CA7331605.
Genomic context (GRCh38, chr14:95,129,554, plus strand): 5'-TTGCAGTTTCAGCATTACTCTTAAGAATTTTCTCTAGTTTCTGAATCTTTTCTTCCAATT[C>T]CTCTGGATCACATTTCCCATTTAAAATGGAAGCAGTTAGTCCCAAAATGCGAGGACATGA-3'
Protein context (NP_803187.1, residues 208-228): SILNGKCDPE[Glu218Lys]LEEKIQKLEK

ClinVar aggregate classification (germline): Uncertain significance. Review status: criteria provided, multiple submitters, no conflicts (2 of 4 stars). 3 submissions from 3 submitters: Uncertain significance (3). Last evaluated 2025-12-03.

Conditions:
Hereditary cancer-predisposing syndrome. Also called: Hereditary neoplastic syndrome; Neoplastic Syndromes, Hereditary; Tumor predisposition; Hereditary Cancer Syndrome. Identifiers: Orphanet 140162, MedGen C0027672, MeSH D009386, MONDO:0015356.
DICER1-related tumor predisposition. Also called: DICER1-related pleuropulmonary blastoma cancer predisposition syndrome; DICER1 syndrome. Identifiers: Orphanet 284343, MedGen C3839822, MONDO:0100216.

Allele frequency attached by ClinVar (database versions not stated): gnomAD exomes below 0.00001 and 0.00001; TOPMed below 0.00001; ExAC 0.00001.

Submissions (3):

Labcorp Genetics (formerly Invitae), Labcorp
Classification: Uncertain significance for DICER1-related tumor predisposition. Last evaluated: 2025-12-03. Review status: criteria provided, single submitter. Criteria: Invitae Variant Classification Sherloc (09022015). Collection method: clinical testing. Allele origin: germline.
Comment: This sequence change replaces glutamic acid, which is acidic and polar, with lysine, which is basic and polar, at codon 218 of the DICER1 protein (p.Glu218Lys). This variant is present in population databases (rs747514493, gnomAD 0.006%). This variant has not been reported in the literature in individuals affected with DICER1-related conditions. ClinVar contains an entry for this variant (Variation ID: 412177). Invitae Evidence Modeling of protein sequence and biophysical properties (such as structural, functional, and spatial information, amino acid conservation, physicochemical variation, residue mobility, and thermodynamic stability) indicates that this missense variant is not expected to disrupt DICER1 protein function with a negative predictive value of 95%. In summary, the available evidence is currently insufficient to determine the role of this variant in disease. Therefore, it has been classified as a Variant of Uncertain Significance.

Ambry Genetics
Classification: Uncertain significance for Hereditary cancer-predisposing syndrome. Last evaluated: 2024-12-05. Review status: criteria provided, single submitter. Criteria: Ambry Variant Classification Scheme 2023. Collection method: clinical testing. Allele origin: germline.
Comment: The p.E218K variant (also known as c.652G>A), located in coding exon 5 of the DICER1 gene, results from a G to A substitution at nucleotide position 652. The glutamic acid at codon 218 is replaced by lysine, an amino acid with similar properties. This amino acid position is well conserved in available vertebrate species. In addition, the in silico prediction for this alteration is inconclusive. Based on the available evidence, the clinical significance of this variant remains unclear.

Quest Diagnostics Nichols Institute San Juan Capistrano
Classification: Uncertain significance. Last evaluated: 2024-03-06. Review status: criteria provided, single submitter. Criteria: Quest Diagnostics criteria. Collection method: clinical testing. Allele origin: unknown.
Comment: The DICER1 c.652G>A (p.Glu218Lys) variant has not been reported in individuals with DICER1-related conditions in the published literature. The frequency of this variant in the general population, 0.000008 (2/251064 chromosomes (Genome Aggregation Database)), is uninformative in the assessment of its pathogenicity. Analysis of this variant using bioinformatics tools for the prediction of the effect of amino acid changes on protein structure and function yielded predictions that this variant is benign. Based on the available information, we are unable to determine the clinical significance of this variant.